The following is an entry in ClinVar:

ClinVar aggregate classification (germline): Uncertain significance (1 of 4 stars; one submission).

Conditions:
Primary dilated cardiomyopathy (DCM). Also called: Dilated Cardiomyopathy. Identifiers: Orphanet 217604, MedGen C0007193, MeSH D002311, MONDO:0005021, HP:0001644. Inheritance: Various modes of inheritance.

Allele frequency attached by ClinVar (database versions not stated): gnomAD exomes below 0.00001; TOPMed below 0.00001; gnomAD 0.00001.
gnomAD v4.1: 2 of 1,610,410 alleles (0.00012%); highest among the groups gnomAD compares: Non-Finnish European, 0.00017%; no homozygotes.

Submission:

Labcorp Genetics (formerly Invitae), Labcorp
Classification: Uncertain significance for Primary dilated cardiomyopathy. Last evaluated: 2019-07-12. Review status: criteria provided, single submitter. Criteria: Invitae Variant Classification Sherloc (09022015). Collection method: clinical testing. Allele origin: germline.
Comment: This sequence change replaces glutamine with lysine at codon 259 of the TXNRD2 protein (p.Gln259Lys). The glutamine residue is highly conserved and there is a small physicochemical difference between glutamine and lysine. This variant is not present in population databases (ExAC no frequency). This variant has not been reported in the literature in individuals with TXNRD2-related conditions. Algorithms developed to predict the effect of missense changes on protein structure and function are either unavailable or do not agree on the potential impact of this missense change (SIFT: "Tolerated"; PolyPhen-2: "Probably Damaging"; Align-GVGD: "Class C0"). In summary, the available evidence is currently insufficient to determine the role of this variant in disease. Therefore, it has been classified as a Variant of Uncertain Significance.

NM_006440.5(TXNRD2):c.775C>A (p.Gln259Lys)

Gene: TXNRD2 (thioredoxin reductase 2; minus strand). Cytogenetic location: 22q11.21.
Variant type: single nucleotide variant.
Coding change: c.775C>A on transcript NM_006440.5 (MANE Select); coding-DNA position 775, C replaced by A.
Protein change: p.Gln259Lys; replaces glutamine 259 with lysine.
Molecular consequence: missense variant. On other transcripts: non-coding transcript variant (1).
Genome position (GRCh38, 1-based): chr22:19,895,581, G>T on the plus strand (C>A on the coding strand, the complement: TXNRD2 is on the minus strand). VCF-style: chr22-19895581-G-T. GRCh37 (hg19) VCF-style: chr22-19883104-G-T.
Other names: c.775C>A, p.Gln259Lys (NM_001282512.3); c.772C>A, p.Gln258Lys (NM_001352300.2); c.685C>A, p.Gln229Lys (NM_001352301.2); c.487C>A, p.Gln163Lys (NM_001352302.2); c.679C>A, p.Gln227Lys (NM_001352303.2); short protein forms Q163K, Q227K, Q229K, Q259K, Q258K.
Identifiers: ClinVar variation 960483 (VCV000960483.8), dbSNP rs1939470316, ClinGen allele CA410686798.